The following is an entry in ClinVar:

ClinVar aggregate classification (germline): Uncertain significance (1 of 4 stars; one submission).

Conditions:
Mitochondrial DNA depletion syndrome 13. Also called: FBXL4-Related Encephalomyopathic Mitochondrial DNA Depletion Syndrome; Mitochondrial DNA depletion syndrome 13 (encephalomyopathic type). Identifiers: Orphanet 369897, MedGen C3809592, MONDO:0014198, OMIM 615471.

Allele frequency attached by ClinVar (database versions not stated): gnomAD exomes below 0.00001; ExAC 0.00001.
gnomAD v4.1: 1 of 1,598,180 alleles (0.000063%); no homozygotes.

Submission:

Wong Mito Lab, Molecular and Human Genetics, Baylor College of Medicine
Classification: Uncertain significance for Mitochondrial DNA depletion syndrome 13. Last evaluated: 2017-08-10. Review status: criteria provided, single submitter. Criteria: ACMG Guidelines, 2015. Collection method: reference population. Allele origin: germline.
Comment: The NM_012160.4:c.1703-10C>A (NP_036292.2:p.=) [GRCH38: NC_000006.12:g.98874451G>T] variant in FBXL4 gene is interpretated to be a Uncertain Significance - Insufficient Evidence based on ACMG guidelines (PMID: 25741868). This variant meets one or more of the following evidence codes reported in the ACMG-guideline. PM2:This variant is absent in key population databases. Based on this evidence code ClinGen Pathogenicity Calculator (PMID:28081714) suggested that the variant is Uncertain Significance - Insufficient Evidence.

NM_001278716.2(FBXL4):c.1703-10C>A

Gene: FBXL4 (F-box and leucine rich repeat protein 4; minus strand). Cytogenetic location: 6q16.1.
Variant type: single nucleotide variant.
Coding change: c.1703-10C>A on transcript NM_001278716.2 (MANE Select); 10 bases into the intron before coding-DNA position 1703, C replaced by A.
Molecular consequence: intron variant.
Genome position (GRCh38, 1-based): chr6:98,874,451, G>T on the plus strand (C>A on the coding strand, the complement: FBXL4 is on the minus strand). VCF-style: chr6-98874451-G-T. GRCh37 (hg19) VCF-style: chr6-99322327-G-T.
Other names: c.1703-10C>A (NM_012160.5).
Identifiers: ClinVar variation 437795 (VCV000437795.1), dbSNP rs747707911, ClinGen allele CA3933362.
Genomic context (GRCh38, chr6:98,874,451, plus strand): 5'-TACAAGATTCCAGGAGTTTTCTTAAGGATGCCGGACTTACCATTCTTGTTCCTATTTAAG[G>T]GAAACAAAACAAAACAAAACAAAACACCTTAAGTATAACATTTATATAATGTGCTAACAA-3'